The following is an entry in ClinVar:

ClinVar aggregate classification (germline): Pathogenic/Likely pathogenic. Review status: criteria provided, multiple submitters, no conflicts (2 of 4 stars). 11 submissions from 11 submitters: Pathogenic (8); Likely pathogenic (1). 2 of the submissions do not count toward it. Last evaluated 2025-09-16.

Conditions:
Rothmund-Thomson syndrome type 2 (RTS2). Identifiers: Orphanet 221016, MedGen C5203410, MONDO:0016369, OMIM 268400.
Rapadilino syndrome. Identifiers: Orphanet 3021, MedGen C1849453, MONDO:0009955, OMIM 266280.
Baller-Gerold syndrome (BGS). Also called: CRANIOSYNOSTOSIS WITH RADIAL DEFECTS. Identifiers: Orphanet 1225, MedGen C0265308, MONDO:0009039, OMIM 218600.
RECQL4-related disorder. Also called: RECQL4-related condition; RECQL4-related disorders.
Inborn genetic diseases. Identifiers: MedGen C0950123, MeSH D030342.
Hereditary cancer-predisposing syndrome. Also called: Hereditary neoplastic syndrome; Hereditary Cancer Syndrome; Neoplastic Syndromes, Hereditary; Tumor predisposition. Identifiers: Orphanet 140162, MedGen C0027672, MeSH D009386, MONDO:0015356.

Allele frequency attached by ClinVar (database versions not stated): TOPMed 0.00002; ESP Exome Variant Server 0.00042; gnomAD exomes 0.00008 and 0.00006; ExAC 0.00014; gnomAD 0.00003; 1000 Genomes Project 30x 0.00031.

Submissions (11):

Labcorp Genetics (formerly Invitae), Labcorp
Classification: Pathogenic for Baller-Gerold syndrome. Last evaluated: 2025-09-16. Review status: criteria provided, single submitter. Criteria: Invitae Variant Classification Sherloc (09022015). Collection method: clinical testing. Allele origin: germline.
Comment: This sequence change creates a premature translational stop signal (p.His831Argfs*52) in the RECQL4 gene. It is expected to result in an absent or disrupted protein product. Loss-of-function variants in RECQL4 are known to be pathogenic (PMID: 12734318, 12952869). This variant is present in population databases (rs752729755, gnomAD 0.03%). This premature translational stop signal has been observed in individual(s) with clinical features of RECQL4-related conditions (PMID: 10319867, 19291770, 24518840, 28486640). ClinVar contains an entry for this variant (Variation ID: 6064). For these reasons, this variant has been classified as Pathogenic.

Ambry Genetics
Classification: Pathogenic for Inborn genetic diseases. Last evaluated: 2024-05-09. Review status: criteria provided, single submitter. Criteria: Ambry Variant Classification Scheme 2023. Collection method: clinical testing. Allele origin: germline.
Comment: The c.2492_2493delAT (p.H831Rfs*52) alteration, located in exon 15 (coding exon 15) of the RECQL4 gene, consists of a deletion of 2 nucleotides from position 2492 to 2493, causing a translational frameshift with a predicted alternate stop codon after 52 amino acids. This alteration is expected to result in loss of function by premature protein truncation or nonsense-mediated mRNA decay. Based on data from gnomAD, the c.2493_2494delAT allele has an overall frequency of 0.007% (17/239426) total alleles studied. The highest observed frequency was 0.0128% (1/23520) of South Asian alleles. This variant has been identified in conjunction with other RECQL4 variants in individuals with features consistent with RECQL4-related disorder; in at least one instance, the variants were identified in trans (Debeljak, 2009; Colombo, 2014; Zhang, 2020; Guti&eacute;rrez-Jimeno, 2020). Based on the available evidence, this alteration is classified as pathogenic.

Blueprint Genetics
Classification: Pathogenic for RECQL4-related disorders. Last evaluated: 2023-10-04. Review status: criteria provided, single submitter. Criteria: ACMG Guidelines, 2015. Collection method: clinical testing. Allele origin: germline. Affected: yes. Observed: 5 variant alleles.

GeneDx
Classification: Pathogenic. Last evaluated: 2023-06-18. Review status: criteria provided, single submitter. Criteria: GeneDx Variant Classification Process June 2021. Collection method: clinical testing. Allele origin: germline. Affected: yes.
Comment: Frameshift variant predicted to result in protein truncation or nonsense mediated decay in a gene for which loss of function is a known mechanism of disease; This variant is associated with the following publications: (PMID: 10319867, 24518840, 29478780, 29462647, 19291770, 31604778, 29625052, 31589614, 33294214, 32482547, 33077847, 28486640)

Dasa
Classification: Pathogenic for Baller-Gerold syndrome. Last evaluated: 2022-08-10. Review status: criteria provided, single submitter. Criteria: ACMG Guidelines, 2015. Collection method: clinical testing. Allele origin: germline. Observed: 1 variant allele.
Comment: The c.2492_2493del;p.(His831Argfs*52) is a null frameshift variant (NMD) in the RECQL4 gene and predicts alteration of the nonsense-mediate decay - NMD is present in a relevant exon to the transcript - PVS1.This sequence change has been observed in affected individual(s) and ClinVar contains an entry for this variant(ClinVar ID: 6064; OMIM: 603780.0003; PMID: 28486640; 24518840; 19291770) - PS4. The variant is present at low allele frequencies population databases (rs752729755 – gnomAD 0.0003304%; ABraOM no frequency) -PM2_supporting.The p.(His831Argfs*52) was detected in trans with a pathogenic variant (PMID: 28486640; 24518840; 19291770) - PM3_strong. The variant co-segregated with disease in multiple affected family members (PMID: 24518840) - PP1. In summary, the currently available evidence indicates that the variant is pathogenic.

CeGaT Center for Human Genetics Tuebingen
Classification: Pathogenic. Last evaluated: 2022-02-01. Review status: criteria provided, single submitter. Criteria: CeGaT Center For Human Genetics Tuebingen Variant Classification Criteria Version 2. Collection method: clinical testing. Allele origin: germline. Affected: yes. Observed: 1 variant allele.

Sema4
Classification: Pathogenic for Hereditary cancer-predisposing syndrome. Last evaluated: 2021-11-01. Review status: criteria provided, single submitter. Criteria: Sema4 Curation Guidelines. Collection method: curation. Allele origin: germline.
Comment: The RECQL4 c.2492_2493delAT (p.H831RfsX52) variant has been reported in at least 7 individuals with Rothmund-Thomson syndrome, skin cutaneous melanoma, osteosarcoma, and colorectal cancer (PMID: 10319867, 24518840, 29625052, 32482547, 33294214, 33077847, 29478780). This variant causes a frameshift at amino acid 831 that results in premature termination 52 amino acids downstream. At this location, this variant is predicted to cause loss of normal protein function either through protein truncation or nonsense-mediated mRNA decay. Loss of function variants in RECQL4 are known to be pathogenic (PMID: 12952869, 12734318). This variant was observed in 17/239426 chromosomes in the large and broad cohorts of the Genome Aggregation Database (PMID: 32461654). This variant has been reported in ClinVar (Variation ID 6064). Based on the current evidence available, this variant is interpreted as pathogenic.

Centre for Mendelian Genomics, University Medical Centre Ljubljana
Classification: Likely pathogenic for Rapadilino syndrome. Last evaluated: 2019-06-26. Review status: criteria provided, single submitter. Criteria: ACMG Guidelines, 2015. Collection method: clinical testing. Allele origin: unknown. Affected: yes.
Comment: This variant was classified as: Likely pathogenic. The following ACMG criteria were applied in classifying this variant: PVS1,PS1,PM2.

Juno Genomics, Hangzhou Juno Genomics, Inc
Classification: Pathogenic for Rothmund-Thomson syndrome type 2; Baller-Gerold syndrome; Rapadilino syndrome. Review status: criteria provided, single submitter. Criteria: ACMG Guidelines, 2015. Collection method: clinical testing. Allele origin: germline.
Comment: Absent from controls (or at extremely low frequency if recessive) in Genome Aggregation Database.;Null variant in a gene where loss of function (LOF) is a known mechanism of disease.;For recessive disorders, detected in trans with a pathogenic variant.;Co-segregation with disease in multiple affected family members.;Patient's phenotype or family history is highly specific for a disease with a single genetic etiology.

OMIM
Classification: Pathogenic for ROTHMUND-THOMSON SYNDROME, TYPE 2. Last evaluated: 1998-12-15. Review status: no assertion criteria provided. Collection method: literature only. Allele origin: germline. Not counted in ClinVar's aggregate classification.

GeneReviews
No classification provided. Condition: Baller-Gerold syndrome. Review status: no classification provided. Collection method: literature only. Allele origin: germline. Not counted in ClinVar's aggregate classification.

Literature cited by the submitters: PubMed 12734318 (cited by Labcorp Genetics (formerly Invitae), Labcorp and Sema4); PubMed 12952869 (cited by Labcorp Genetics (formerly Invitae), Labcorp and Sema4); PubMed 10319867 (cited by Labcorp Genetics (formerly Invitae), Labcorp and Sema4); PubMed 19291770 (cited by 3 submitters); PubMed 24518840 (cited by 4 submitters); PubMed 28486640 (cited by Labcorp Genetics (formerly Invitae), Labcorp and Dasa); PubMed 32482547 (cited by Ambry Genetics and Sema4); PubMed 33294214 (cited by Ambry Genetics and Sema4); PubMed 29625052 (cited by Sema4); PubMed 33077847 (cited by Sema4); PubMed 29478780 (cited by Sema4); PubMed 9878247 (cited by OMIM); NCBI Bookshelf NBK1204 (cited by GeneReviews).

NM_004260.4(RECQL4):c.2492_2493del (p.His831fs)

Gene: RECQL4 (RecQ like helicase 4; minus strand). Cytogenetic location: 8q24.3.
Variant type: Deletion.
Coding change: c.2492_2493del on transcript NM_004260.4 (MANE Select); coding-DNA positions 2492 to 2493, 2 bases deleted (AT; older notation c.2492_2493delAT).
Protein change: p.His831fs; shifts the reading frame from histidine 831.
Molecular consequence: frameshift variant.
Genome position (GRCh38, 1-based): chr8:144,513,109-144,513,110, AT deleted on the plus strand (AT on the coding strand, the reverse complement: RECQL4 is on the minus strand). VCF-style (leftmost placement, unchanged base first): chr8-144513108-CAT-C. GRCh37 (hg19) VCF-style: chr8-145738491-CAT-C.
Other names: c.2492_2493delAT (NM_004260.3); short protein forms H831fs.
Identifiers: ClinVar variation 6064 (VCV000006064.58), dbSNP rs752729755, ClinGen allele CA253752.
Genomic context (GRCh38, chr8:144,513,108, plus strand): 5'-CTGGGAACACGCGCTGTACCAGCCTCTTCACAGCCAGGAAGTCCGTGCTGTCGGCGTGCA[CAT>C]GTCTGCGCAGCTCTCGCAGGTCTTCGCCCTGCAGGGCAACTTTCATGAGGGTGGGGTGGA-3'